The following is an entry in ClinVar:

NM_000548.5(TSC2):c.1321T>C (p.Trp441Arg)

Gene: TSC2 (TSC complex subunit 2; plus strand). Cytogenetic location: 16p13.3.
Variant type: single nucleotide variant.
Coding change: c.1321T>C on transcript NM_000548.5 (MANE Select); coding-DNA position 1321, T replaced by C.
Protein change: p.Trp441Arg; replaces tryptophan 441 with arginine.
Molecular consequence: missense variant. On other transcripts: 5 prime UTR variant (10), non-coding transcript variant (5).
Genome position (GRCh38, 1-based): chr16:2,062,560, T>C. VCF-style: chr16-2062560-T-C. GRCh37 (hg19) VCF-style: chr16-2112561-T-C.
Other names: c.1321T>C, p.Trp441Arg (NM_001370404.1, NM_001370405.1, NM_001406663.1 and 6 more transcripts); c.1411T>C, p.Trp471Arg (NM_001406667.1, NM_001406668.1); c.1210T>C, p.Trp404Arg (NM_001406670.1, NM_001318827.2, NM_001406678.1); c.1309T>C, p.Trp437Arg (NM_001406671.1, NM_001406673.1); c.721T>C, p.Trp241Arg (NM_001406684.1, NM_001406685.1, NM_001406686.1 and 6 more transcripts); c.-24T>C (NM_001406689.1, NM_001406690.1, NM_001406691.1 and 6 more transcripts); c.1174T>C, p.Trp392Arg (NM_001318829.2, NM_001406675.1, NM_001406676.1 and 1 more transcripts); c.1354T>C, p.Trp452Arg (NM_001318832.2); and 3 more; short protein forms W241R, W287R, W392R, W404R, W422R, W437R, W441R, W452R.
Identifiers: ClinVar variation 3363973 (VCV003363973.3).
Genomic context (GRCh38, chr16:2,062,560, plus strand): 5'-TCCTCCCTCCTGAACCTGATCTCCTATAGAGCGCAGTCCATCCACCCGGCCAAGGACGGC[T>C]GGATTCAGAACCTGCAGGCGCTGATGGAGAGATTCTTCAGGTAGGGGGTCCTCTGTAGCC-3'
Protein context (NP_000539.2, residues 431-451): AQSIHPAKDG[Trp441Arg]IQNLQALMER

ClinVar aggregate classification (germline): Uncertain significance. Review status: criteria provided, multiple submitters, no conflicts (2 of 4 stars). 2 submissions from 2 submitters: Uncertain significance (2). Last evaluated 2026-07-09.

Conditions:
Hereditary cancer-predisposing syndrome. Also called: Tumor predisposition; Hereditary Cancer Syndrome; Hereditary neoplastic syndrome; Neoplastic Syndromes, Hereditary. Identifiers: Orphanet 140162, MedGen C0027672, MeSH D009386, MONDO:0015356.

gnomAD v4.1: 1 of 1,612,234 alleles (0.000062%); no homozygotes.

Submissions (2):

Ambry Genetics
Classification: Uncertain significance for Hereditary cancer-predisposing syndrome. Last evaluated: 2026-07-09. Review status: criteria provided, single submitter. Criteria: Ambry Variant Classification Scheme 2023. Collection method: clinical testing. Allele origin: germline.
Comment: The p.W441R variant (also known as c.1321T>C), located in coding exon 12 of the TSC2 gene, results from a T to C substitution at nucleotide position 1321. The tryptophan at codon 441 is replaced by arginine, an amino acid with dissimilar properties. This amino acid position is conserved. In addition, this alteration is predicted to be deleterious by in silico analysis. Based on the available evidence, the clinical significance of this variant remains unclear.

GeneDx
Classification: Uncertain significance. Last evaluated: 2023-11-07. Review status: criteria provided, single submitter. Criteria: GeneDx Variant Classification Process June 2021. Collection method: clinical testing. Allele origin: germline. Affected: yes.
Comment: Not observed at significant frequency in large population cohorts (gnomAD); In silico analysis supports that this missense variant has a deleterious effect on protein structure/function; Has not been previously published as pathogenic or benign to our knowledge